The following is an entry in ClinVar:

NM_006420.3(ARFGEF2):c.3262+20G>A

Gene: ARFGEF2 (ARF guanine nucleotide exchange factor 2; plus strand). Cytogenetic location: 20q13.13.
Variant type: single nucleotide variant.
Coding change: c.3262+20G>A on transcript NM_006420.3 (MANE Select); 20 bases into the intron after coding-DNA position 3262, G replaced by A.
Molecular consequence: intron variant.
Genome position (GRCh38, 1-based): chr20:48,998,253, G>A. VCF-style: chr20-48998253-G-A. GRCh37 (hg19) VCF-style: chr20-47614790-G-A.
Identifiers: ClinVar variation 512825 (VCV000512825.1), dbSNP rs375773061, ClinGen allele CA315890994.

ClinVar aggregate classification (germline): Likely benign (1 of 4 stars; one submission).

Allele frequency attached by ClinVar (database versions not stated): gnomAD 0.00001 and 0.00002; TOPMed 0.00002; ESP Exome Variant Server 0.00008.
gnomAD v4.1: 17 of 1,613,998 alleles (0.0011%); highest among the groups gnomAD compares: Non-Finnish European, 0.0014%; no homozygotes.

Submission:

GeneDx
Classification: Likely benign. Last evaluated: 2017-10-26. Review status: criteria provided, single submitter. Criteria: GeneDx Variant Classification (06012015). Collection method: clinical testing. Allele origin: germline. Affected: yes.
Comment: This variant is considered likely benign or benign based on one or more of the following criteria: it is a conservative change, it occurs at a poorly conserved position in the protein, it is predicted to be benign by multiple in silico algorithms, and/or has population frequency not consistent with disease.